The following is an entry in ClinVar:

NM_000273.3(GPR143):c.619G>A (p.Val207Met)

Gene: GPR143 (G protein-coupled receptor 143; minus strand). Cytogenetic location: Xp22.2.
Variant type: single nucleotide variant.
Coding change: c.619G>A on transcript NM_000273.3 (MANE Select); coding-DNA position 619, G replaced by A.
Protein change: p.Val207Met; replaces valine 207 with methionine.
Molecular consequence: missense variant.
Genome position (GRCh38, 1-based): chrX:9,746,083, C>T on the plus strand (G>A on the coding strand, the complement: GPR143 is on the minus strand). VCF-style: chrX-9746083-C-T. GRCh37 (hg19) VCF-style: chrX-9714123-C-T.
Other names: short protein forms V207M.
Identifiers: ClinVar variation 1448150 (VCV001448150.9), dbSNP rs374765532, ClinGen allele CA10344984.

ClinVar aggregate classification (germline): Uncertain significance (1 of 4 stars; one submission).

Allele frequency attached by ClinVar (database versions not stated): gnomAD 0.00001; gnomAD exomes 0.00001; ExAC 0.00002; TOPMed 0.00002; ESP Exome Variant Server 0.00009.
gnomAD v4.1: 5 of 1,201,247 alleles (0.00042%); highest among the groups gnomAD compares: African/African-American, 0.0053%; no homozygotes.

Submission:

Labcorp Genetics (formerly Invitae), Labcorp
Classification: Uncertain significance. Last evaluated: 2025-10-14. Review status: criteria provided, single submitter. Criteria: Invitae Variant Classification Sherloc (09022015). Collection method: clinical testing. Allele origin: germline.
Comment: This sequence change replaces valine, which is neutral and non-polar, with methionine, which is neutral and non-polar, at codon 207 of the GPR143 protein (p.Val207Met). This variant is present in population databases (rs374765532, gnomAD 0.02%). This variant has not been reported in the literature in individuals affected with GPR143-related conditions. ClinVar contains an entry for this variant (Variation ID: 1448150). Invitae Evidence Modeling of protein sequence and biophysical properties (such as structural, functional, and spatial information, amino acid conservation, physicochemical variation, residue mobility, and thermodynamic stability) indicates that this missense variant is not expected to disrupt GPR143 protein function with a negative predictive value of 95%. In summary, the available evidence is currently insufficient to determine the role of this variant in disease. Therefore, it has been classified as a Variant of Uncertain Significance.